The following is an entry in ClinVar:

ClinVar aggregate classification (germline): Uncertain significance. Review status: criteria provided, multiple submitters, no conflicts (2 of 4 stars). 4 submissions from 4 submitters: Uncertain significance (4). Last evaluated 2025-03-04.

Conditions:
Brody myopathy. Also called: BRODY DISEASE. Identifiers: Orphanet 53347, MedGen C1832918, MONDO:0010977, OMIM 601003.

Allele frequency attached by ClinVar (database versions not stated): ExAC 0.00001; gnomAD 0.00002; gnomAD exomes 0.00002; TOPMed 0.00002.
gnomAD v4.1: 50 of 1,613,990 alleles (0.0031%); highest among the groups gnomAD compares: Non-Finnish European, 0.004%; no homozygotes.

Submissions (4):

GeneDx
Classification: Uncertain significance. Last evaluated: 2025-03-04. Review status: criteria provided, single submitter. Criteria: GeneDx Variant Classification Process June 2021. Collection method: clinical testing. Allele origin: germline. Affected: yes.
Comment: Not observed at significant frequency in large population cohorts (gnomAD); In silico analysis supports that this missense variant has a deleterious effect on protein structure/function; Has not been previously published as pathogenic or benign to our knowledge

Revvity Omics, Revvity
Classification: Uncertain significance for Brody myopathy. Last evaluated: 2024-09-22. Review status: criteria provided, single submitter. Criteria: ACMG Guidelines, 2015. Collection method: clinical testing. Allele origin: germline.

Athena Diagnostics
Classification: Uncertain significance. Last evaluated: 2024-07-29. Review status: criteria provided, single submitter. Criteria: Athena Diagnostics Criteria. Collection method: clinical testing. Allele origin: unknown.
Comment: Available data are insufficient to determine the clinical significance of the variant at this time. The frequency of this variant in the general population is uninformative in assessment of its pathogenicity. Polyphen and MutationTaster predict this amino acid change may be damaging to the protein.

Labcorp Genetics (formerly Invitae), Labcorp
Classification: Uncertain significance for Brody myopathy. Last evaluated: 2022-08-16. Review status: criteria provided, single submitter. Criteria: Invitae Variant Classification Sherloc (09022015). Collection method: clinical testing. Allele origin: germline.
Comment: This sequence change replaces glycine, which is neutral and non-polar, with arginine, which is basic and polar, at codon 291 of the ATP2A1 protein (p.Gly291Arg). This variant is present in population databases (rs761201498, gnomAD 0.003%). This variant has not been reported in the literature in individuals affected with ATP2A1-related conditions. ClinVar contains an entry for this variant (Variation ID: 429328). Algorithms developed to predict the effect of missense changes on protein structure and function are either unavailable or do not agree on the potential impact of this missense change (SIFT: "Deleterious"; PolyPhen-2: "Probably Damaging"; Align-GVGD: "Class C0"). Algorithms developed to predict the effect of sequence changes on RNA splicing suggest that this variant may create or strengthen a splice site. In summary, the available evidence is currently insufficient to determine the role of this variant in disease. Therefore, it has been classified as a Variant of Uncertain Significance.

NM_004320.6(ATP2A1):c.871G>A (p.Gly291Arg)

Gene: ATP2A1 (ATPase sarcoplasmic/endoplasmic reticulum Ca2+ transporting 1; plus strand). Cytogenetic location: 16p11.2.
Variant type: single nucleotide variant.
Coding change: c.871G>A on transcript NM_004320.6 (MANE Select); coding-DNA position 871, G replaced by A.
Protein change: p.Gly291Arg; replaces glycine 291 with arginine.
Molecular consequence: missense variant.
Genome position (GRCh38, 1-based): chr16:28,887,665, G>A. VCF-style: chr16-28887665-G-A. GRCh37 (hg19) VCF-style: chr16-28898986-G-A.
Other names: c.496G>A, p.Gly166Arg (NM_001286075.2); c.871G>A, p.Gly291Arg (NM_173201.5); c.871G>A (NM_173201.4, NM_004320.4); short protein forms G291R, G166R.
Identifiers: ClinVar variation 429328 (VCV000429328.12), dbSNP rs761201498, ClinGen allele CA7986780.